The following is an entry in ClinVar:

NM_001371928.1(AHDC1):c.2850G>T (p.Pro950=)

Gene: AHDC1 (AT-hook DNA binding motif containing 1; minus strand). Cytogenetic location: 1p36.11.
Variant type: single nucleotide variant.
Coding change: c.2850G>T on transcript NM_001371928.1 (MANE Select); coding-DNA position 2850, G replaced by T.
Protein change: p.Pro950=; no amino-acid change (proline 950 retained).
Molecular consequence: synonymous variant.
Genome position (GRCh38, 1-based): chr1:27,549,266, C>A on the plus strand (G>T on the coding strand, the complement: AHDC1 is on the minus strand). VCF-style: chr1-27549266-C-A. GRCh37 (hg19) VCF-style: chr1-27875777-C-A.
Other names: c.2850G>T, p.Pro950= (NM_001029882.3).
Identifiers: ClinVar variation 749171 (VCV000749171.12), dbSNP rs151218177, ClinGen allele CA715678.

ClinVar aggregate classification (germline): Likely benign. Review status: criteria provided, single submitter (1 of 4 stars). 2 submissions from 2 submitters: Likely benign (1). 1 of the submissions does not count toward it. Last evaluated 2024-07-31.

Conditions:
AHDC1-related disorder. Also called: AHDC1-related condition.

Allele frequency attached by ClinVar (database versions not stated): 1000 Genomes Project 30x 0.00016.
gnomAD v4.1: 651 of 1,602,894 alleles (0.041%); highest among the groups gnomAD compares: Non-Finnish European, 0.052%; 1 homozygote.

Submissions (3):

Labcorp Genetics (formerly Invitae), Labcorp
Classification: Likely benign. Last evaluated: 2024-07-31. Review status: criteria provided, single submitter. Criteria: Invitae Variant Classification Sherloc (09022015). Collection method: clinical testing. Allele origin: germline.

PreventionGenetics, part of Exact Sciences
Classification: Likely benign for AHDC1-related condition. Last evaluated: 2021-12-20. Review status: no assertion criteria provided. Collection method: clinical testing. Allele origin: germline. Not counted in ClinVar's aggregate classification.
Comment: This variant is classified as likely benign based on ACMG/AMP sequence variant interpretation guidelines (Richards et al. 2015 PMID: 25741868, with internal and published modifications).

Dr. Peter K. Rogan Lab, Western University
No classification provided (evidence only). Condition: Glioma susceptibility 1. Review status: no classification provided. Collection method: in vitro. Allele origin: not applicable. Functional consequence: retained intron. Not counted in ClinVar's aggregate classification.